The following is an entry in ClinVar:

NM_001205293.3(CACNA1E):c.3055G>A (p.Val1019Met)

Gene: CACNA1E (calcium voltage-gated channel subunit alpha1 E; plus strand). Cytogenetic location: 1q25.3.
Variant type: single nucleotide variant.
Coding change: c.3055G>A on transcript NM_001205293.3 (MANE Select); coding-DNA position 3055, G replaced by A.
Protein change: p.Val1019Met; replaces valine 1019 with methionine.
Molecular consequence: missense variant.
Genome position (GRCh38, 1-based): chr1:181,733,543, G>A. VCF-style: chr1-181733543-G-A. GRCh37 (hg19) VCF-style: chr1-181702679-G-A.
Other names: c.3055G>A, p.Val1019Met (NM_000721.4); c.2998G>A, p.Val1000Met (NM_001205294.2); c.3055G>A (NM_001205293.1); short protein forms V1000M, V1019M.
Identifiers: ClinVar variation 1165451 (VCV001165451.36), dbSNP rs547399351, ClinGen allele CA1275469.

ClinVar aggregate classification (germline): Benign/Likely benign. Review status: criteria provided, multiple submitters, no conflicts (2 of 4 stars). 7 submissions from 7 submitters: Benign (1); Likely benign (5). 1 of the submissions does not count toward it. Last evaluated 2026-02-01.

Conditions:
CACNA1E-related disorder. Also called: CACNA1E-related condition.
Developmental and epileptic encephalopathy, 69. Also called: EPILEPTIC ENCEPHALOPATHY, EARLY INFANTILE, 69. Identifiers: MedGen C4748988, MONDO:0032657, OMIM 618285.
Inborn genetic diseases. Identifiers: MedGen C0950123, MeSH D030342.

Allele frequency attached by ClinVar (database versions not stated): gnomAD 0.00008 and 0.00007; TOPMed 0.00009; gnomAD exomes 0.00010 and 0.00006; 1000 Genomes Project 30x 0.00016; 1000 Genomes Project 0.00020; ExAC 0.00003.
gnomAD v4.1: 173 of 1,612,382 alleles (0.011%); highest among the groups gnomAD compares: Middle Eastern, 0.2%; 2 homozygotes.

Submissions (7):

CeGaT Center for Human Genetics Tuebingen
Classification: Likely benign. Last evaluated: 2026-02-01. Review status: criteria provided, single submitter. Criteria: CeGaT Center For Human Genetics Tuebingen Variant Classification Criteria Version 2. Collection method: clinical testing. Allele origin: germline. Affected: yes. Observed: 2 variant alleles.
Comment: CACNA1E: BS1

Labcorp Genetics (formerly Invitae), Labcorp
Classification: Benign. Last evaluated: 2025-12-30. Review status: criteria provided, single submitter. Criteria: Invitae Variant Classification Sherloc (09022015). Collection method: clinical testing. Allele origin: germline.

Blueprint Genetics
Classification: Likely benign. Last evaluated: 2024-03-13. Review status: criteria provided, single submitter. Criteria: ACMG Guidelines, 2015. Collection method: clinical testing. Allele origin: germline.

Genome-Nilou Lab
Classification: Likely benign for Developmental and epileptic encephalopathy, 69. Last evaluated: 2023-04-11. Review status: criteria provided, single submitter. Criteria: ACMG Guidelines, 2015. Collection method: clinical testing. Allele origin: germline. Affected: no.

Ambry Genetics
Classification: Likely benign for Inborn genetic diseases. Last evaluated: 2022-01-26. Review status: criteria provided, single submitter. Criteria: Ambry Variant Classification Scheme 2023. Collection method: clinical testing. Allele origin: germline.

GeneDx
Classification: Likely benign. Last evaluated: 2021-05-12. Review status: criteria provided, single submitter. Criteria: GeneDx Variant Classification Process June 2021. Collection method: clinical testing. Allele origin: germline. Affected: yes.

PreventionGenetics, part of Exact Sciences
Classification: Likely benign for CACNA1E-related condition. Last evaluated: 2021-09-08. Review status: no assertion criteria provided. Collection method: clinical testing. Allele origin: germline. Not counted in ClinVar's aggregate classification.
Comment: This variant is classified as likely benign based on ACMG/AMP sequence variant interpretation guidelines (Richards et al. 2015 PMID: 25741868, with internal and published modifications).